The following is an entry in ClinVar:

NM_002880.4(RAF1):c.434C>G (p.Thr145Arg)

Gene: RAF1 (Raf-1 proto-oncogene, serine/threonine kinase; minus strand). Cytogenetic location: 3p25.2.
Variant type: single nucleotide variant.
Coding change: c.434C>G on transcript NM_002880.4 (MANE Select); coding-DNA position 434, C replaced by G.
Protein change: p.Thr145Arg; replaces threonine 145 with arginine.
Molecular consequence: missense variant. On other transcripts: non-coding transcript variant (3).
Genome position (GRCh38, 1-based): chr3:12,608,913, G>C on the plus strand (C>G on the coding strand, the complement: RAF1 is on the minus strand). VCF-style: chr3-12608913-G-C. GRCh37 (hg19) VCF-style: chr3-12650412-G-C.
Other names: c.434C>G, p.Thr145Arg (NM_001354689.3, NM_001354690.3, NM_001354693.3); c.191C>G, p.Thr64Arg (NM_001354691.3, NM_001354692.3, NM_001354694.3 and 1 more transcripts); short protein forms T145R, T64R.
Identifiers: ClinVar variation 4801597 (VCV004801597.1).

ClinVar aggregate classification (germline): Uncertain significance (1 of 4 stars; one submission).

Conditions:
RASopathy. Also called: rasopathies; Noonan spectrum disorder. Identifiers: Orphanet 536391, MedGen C5555857, MONDO:0021060.

Submission:

Labcorp Genetics (formerly Invitae), Labcorp
Classification: Uncertain significance for RASopathy. Last evaluated: 2025-12-23. Review status: criteria provided, single submitter. Criteria: Invitae Variant Classification Sherloc (09022015). Collection method: clinical testing. Allele origin: germline.
Comment: This sequence change replaces threonine, which is neutral and polar, with arginine, which is basic and polar, at codon 145 of the RAF1 protein (p.Thr145Arg). This variant is not present in population databases (gnomAD no frequency). This variant has not been reported in the literature in individuals affected with RAF1-related conditions. Invitae Evidence Modeling incorporating data from in vitro experimental studies (internal data) indicates that this missense variant is expected to disrupt RAF1 function with a positive predictive value of 95%. In summary, the available evidence is currently insufficient to determine the role of this variant in disease. Therefore, it has been classified as a Variant of Uncertain Significance.